The following is an entry in ClinVar:

ClinVar aggregate classification (germline): Conflicting classifications of pathogenicity. Review status: criteria provided, conflicting classifications (1 of 4 stars). 3 submissions from 3 submitters: Uncertain significance (2); Likely benign (1). Last evaluated 2025-09-23.

Conditions:
Immunodeficiency 96 (IMD96). Identifiers: MedGen C5676930, MONDO:0030693, OMIM 619774.

Allele frequency attached by ClinVar (database versions not stated): TOPMed 0.00011; 1000 Genomes Project 30x 0.00016; 1000 Genomes Project 0.00020; ESP Exome Variant Server 0.00023; ExAC 0.00052; gnomAD 0.00065 and 0.00069; gnomAD exomes 0.00067.
gnomAD v4.1: 599 of 1,612,732 alleles (0.037%); highest among the groups gnomAD compares: Non-Finnish European, 0.018%; no homozygotes.

Submissions (7):

Labcorp Genetics (formerly Invitae), Labcorp
Classification: Likely benign. Last evaluated: 2025-09-23. Review status: criteria provided, single submitter. Criteria: Invitae Variant Classification Sherloc (09022015). Collection method: clinical testing. Allele origin: germline.

Broad Center for Mendelian Genomics, Broad Institute of MIT and Harvard
Classification: Uncertain significance for Immunodeficiency 96. Last evaluated: 2024-12-10. Review status: criteria provided, single submitter. Criteria: ACMG Guidelines, 2015. Collection method: curation. Allele origin: germline. Inheritance: Autosomal recessive inheritance. Study: GREGoR Consortium.
Comment: Trio genome analysis revealed that this variant was in trans with the likely pathogenic variant. The c.776+5G>T variant in LIG1 has been reported in 1 additional individual with LIG1 immunodeficiency 96 (PMID: 36341401), and has been identified in 0.6% (376/64040) of European (Finnish) chromosomes by the Genome Aggregation Database (gnomAD; dbSNP rs374214185). This variant has been seen in the general population, in a heterozygous state, at greater rate than expected for disorder. This variant has also been reported in ClinVar (Variation ID: 1145405) and has been interpreted as likely benign by Labcorp Genetics. Of the 2 affected individuals, both were compound heterozygotes that carried a variant of uncertain significance in trans, which increases the likelihood that the c.776+5G>T variant is pathogenic (PMID: 36341401). This variant is located in the 5' splice region. Computational tools do suggest an impact to splicing. However, this information is not predictive enough to determine pathogenicity. cDNA analysis shows evidence of intron retention leading to inclusion of 16 nucleotides, which is predicted to result in nonsense mediated decay. Loss of function of the LIG1 gene is an established disease mechanism in autosomal recessive LIG1 immunodeficiency 96. In summary, the clinical significance of the c.776+5G>T variant is uncertain. ACMG/AMP Criteria applied: PVS1_strong, BS1_supporting, PM3_supporting

GeneDx
Classification: Uncertain significance. Last evaluated: 2024-08-19. Review status: criteria provided, single submitter. Criteria: GeneDx Variant Classification Process June 2021. Collection method: clinical testing. Allele origin: germline. Affected: yes.
Comment: Non-canonical splice site variant demonstrated to result in loss of function in a gene or region of a gene for which loss of function is not a well-established mechanism of disease (PMID 36341401); This variant is associated with the following publications: (PMID: 36341401)

Dr. Peter K. Rogan Lab, Western University
No classification provided (evidence only). Condition: Clear cell carcinoma of kidney. Review status: no classification provided. Collection method: in vitro. Allele origin: not applicable. Functional consequence: retained intron. Not counted in ClinVar's aggregate classification.

Dr. Peter K. Rogan Lab, Western University
No classification provided (evidence only). Condition: Sarcoma. Review status: no classification provided. Collection method: in vitro. Allele origin: not applicable. Functional consequence: retained intron. Not counted in ClinVar's aggregate classification.

Dr. Peter K. Rogan Lab, Western University
No classification provided (evidence only). Condition: Sarcoma. Review status: no classification provided. Collection method: in vitro. Allele origin: not applicable. Functional consequence: retained intron. Not counted in ClinVar's aggregate classification.

Dr. Peter K. Rogan Lab, Western University
No classification provided (evidence only). Condition: Thymoma. Review status: no classification provided. Collection method: in vitro. Allele origin: not applicable. Functional consequence: retained intron. Not counted in ClinVar's aggregate classification.

NM_000234.3(LIG1):c.776+5G>T

Gene: LIG1 (DNA ligase 1; minus strand). Cytogenetic location: 19q13.33.
Variant type: single nucleotide variant.
Coding change: c.776+5G>T on transcript NM_000234.3 (MANE Select); 5 bases into the intron after coding-DNA position 776, G replaced by T.
Molecular consequence: intron variant.
Genome position (GRCh38, 1-based): chr19:48,149,758, C>A on the plus strand (G>T on the coding strand, the complement: LIG1 is on the minus strand). VCF-style: chr19-48149758-C-A. GRCh37 (hg19) VCF-style: chr19-48653015-C-A.
Other names: c.683+5G>T (NM_001289063.2); c.686+5G>T (NM_001320971.2); c.572+5G>T (NM_001289064.2); c.773+5G>T (NM_001320970.2).
Identifiers: ClinVar variation 1145405 (VCV001145405.12), dbSNP rs374214185, ClinGen allele CA9547140.